The following is an entry in ClinVar:

NM_015100.4(POGZ):c.39G>A (p.Glu13=)

Gene: POGZ (pogo transposable element derived with ZNF domain; minus strand). Cytogenetic location: 1q21.3.
Variant type: single nucleotide variant.
Coding change: c.39G>A on transcript NM_015100.4 (MANE Select); coding-DNA position 39, G replaced by A.
Protein change: p.Glu13=; no amino-acid change (glutamic acid 13 retained).
Molecular consequence: synonymous variant.
Genome position (GRCh38, 1-based): chr1:151,442,166, C>T on the plus strand (G>A on the coding strand, the complement: POGZ is on the minus strand). VCF-style: chr1-151442166-C-T. GRCh37 (hg19) VCF-style: chr1-151414642-C-T.
Other names: c.39G>A, p.Glu13= (NM_001194937.2, NM_001194938.2, NM_145796.4 and 1 more transcripts); c.60G>A, p.Glu20= (NM_001410860.1).
Identifiers: ClinVar variation 2637662 (VCV002637662.1), dbSNP rs751390160, ClinGen allele CA1091735.

ClinVar aggregate classification (germline): Likely benign (1 of 4 stars; one submission).

Allele frequency attached by ClinVar (database versions not stated): gnomAD exomes below 0.00001; gnomAD 0.00001; ExAC 0.00002.
gnomAD v4.1: 6 of 1,613,234 alleles (0.00037%); highest among the groups gnomAD compares: Non-Finnish European, 0.00051%; no homozygotes.

Submission:

Women's Health and Genetics/Laboratory Corporation of America, LabCorp
Classification: Likely benign. Last evaluated: 2023-10-10. Review status: criteria provided, single submitter. Criteria: LabCorp Variant Classification Summary - May 2015. Collection method: clinical testing. Allele origin: germline.
Comment: Variant summary: POGZ c.39G>A alters a non-conserved nucleotide resulting in a synonymous change. Consensus agreement among computation tools predict no significant impact on normal splicing. However, these predictions have yet to be confirmed by functional studies. The variant allele was found at a frequency of 8e-06 in 251200 control chromosomes. The available data on variant occurrences in the general population are insufficient to allow any conclusion about variant significance. To our knowledge, no occurrence of c.39G>A in individuals affected with White-Sutton Syndrome and no experimental evidence demonstrating its impact on protein function have been reported. No submitters have cited clinical-significance assessments for this variant to ClinVar after 2014. Based on the evidence outlined above, the variant was classified as likely benign.